The following is an entry in ClinVar:

NM_000384.3(APOB):c.8560T>C (p.Ser2854Pro)

Gene: APOB (apolipoprotein B; minus strand). Cytogenetic location: 2p24.1.
Variant type: single nucleotide variant.
Coding change: c.8560T>C on transcript NM_000384.3 (MANE Select); coding-DNA position 8560, T replaced by C.
Protein change: p.Ser2854Pro; replaces serine 2854 with proline.
Molecular consequence: missense variant.
Genome position (GRCh38, 1-based): chr2:21,008,308, A>G on the plus strand (T>C on the coding strand, the complement: APOB is on the minus strand). VCF-style: chr2-21008308-A-G. GRCh37 (hg19) VCF-style: chr2-21231180-A-G.
Other names: short protein forms S2854P.
Identifiers: ClinVar variation 5027584 (VCV005027584.1).
Genomic context (GRCh38, chr2:21,008,308, plus strand): 5'-TCACTCCATTACTAAGCTCCAGTGTATTTTTTTCTGTGTGTAAACTTGCCACTGTGTTTG[A>G]TTTTCCCTCAATAGCATTTCCAAAAAACAGCATTTCACTCCCATGCTCCGTTCTCAGGTA-3'
Protein context (NP_000375.3, residues 2844-2864): LFFGNAIEGK[Ser2854Pro]NTVASLHTEK

ClinVar aggregate classification (germline): Uncertain significance (1 of 4 stars; one submission).

Conditions:
Cardiovascular phenotype. Identifiers: MedGen CN230736.

Submission:

Ambry Genetics
Classification: Uncertain significance for Cardiovascular phenotype. Last evaluated: 2026-07-07. Review status: criteria provided, single submitter. Criteria: Ambry Variant Classification Scheme 2023. Collection method: clinical testing. Allele origin: germline.
Comment: The p.S2854P variant (also known as c.8560T>C), located in coding exon 26 of the APOB gene, results from a T to C substitution at nucleotide position 8560. The serine at codon 2854 is replaced by proline, an amino acid with similar properties. This amino acid position is conserved. In addition, this alteration is predicted to be tolerated by in silico analysis. Based on the available evidence, the clinical significance of this variant remains unclear.